The following is an entry in ClinVar:

NM_004260.4(RECQL4):c.1858T>C (p.Cys620Arg)

Gene: RECQL4 (RecQ like helicase 4; minus strand). Cytogenetic location: 8q24.3.
Variant type: single nucleotide variant.
Coding change: c.1858T>C on transcript NM_004260.4 (MANE Select); coding-DNA position 1858, T replaced by C.
Protein change: p.Cys620Arg; replaces cysteine 620 with arginine.
Molecular consequence: missense variant.
Genome position (GRCh38, 1-based): chr8:144,514,209, A>G on the plus strand (T>C on the coding strand, the complement: RECQL4 is on the minus strand). VCF-style: chr8-144514209-A-G. GRCh37 (hg19) VCF-style: chr8-145739593-A-G.
Other names: c.1858T>C (NM_004260.3); short protein forms C620R.
Identifiers: ClinVar variation 1504008 (VCV001504008.7), dbSNP rs762061985, ClinGen allele CA372680616.
Genomic context (GRCh38, chr8:144,514,209, plus strand): 5'-CCCGGCCCTGGCCGCCCACCCCAGTTCACATATGGCTCACCTTGCAGACGCGCAGGTAGC[A>G]GGGCCGGAAGTTGTGGGACCACTGGGAGAGGCAGTGGGCCTCATCAATGCAGGCAAAAGC-3'
Protein context (NP_004251.4, residues 610-630): LSQWSHNFRP[Cys620Arg]YLRVCKVLRE

ClinVar aggregate classification (germline): Uncertain significance. Review status: criteria provided, multiple submitters, no conflicts (2 of 4 stars). 2 submissions from 2 submitters: Uncertain significance (2). Last evaluated 2025-02-02.

Conditions:
Inborn genetic diseases. Identifiers: MedGen C0950123, MeSH D030342.
Baller-Gerold syndrome (BGS). Also called: CRANIOSYNOSTOSIS WITH RADIAL DEFECTS. Identifiers: Orphanet 1225, MedGen C0265308, MONDO:0009039, OMIM 218600.

Submissions (2):

Ambry Genetics
Classification: Uncertain significance for Inborn genetic diseases. Last evaluated: 2025-02-02. Review status: criteria provided, single submitter. Criteria: Ambry Variant Classification Scheme 2023. Collection method: clinical testing. Allele origin: germline.
Comment: The p.C620R variant (also known as c.1858T>C), located in coding exon 11 of the RECQL4 gene, results from a T to C substitution at nucleotide position 1858. The cysteine at codon 620 is replaced by arginine, an amino acid with highly dissimilar properties. This amino acid position is conserved. In addition, this alteration is predicted to be deleterious by in silico analysis. Based on the available evidence, the clinical significance of this variant remains unclear.

Labcorp Genetics (formerly Invitae), Labcorp
Classification: Uncertain significance for Baller-Gerold syndrome. Last evaluated: 2023-09-05. Review status: criteria provided, single submitter. Criteria: Invitae Variant Classification Sherloc (09022015). Collection method: clinical testing. Allele origin: germline.
Comment: This sequence change replaces cysteine, which is neutral and slightly polar, with arginine, which is basic and polar, at codon 620 of the RECQL4 protein (p.Cys620Arg). This variant is not present in population databases (gnomAD no frequency). This variant has not been reported in the literature in individuals affected with RECQL4-related conditions. ClinVar contains an entry for this variant (Variation ID: 1504008). Advanced modeling of protein sequence and biophysical properties (such as structural, functional, and spatial information, amino acid conservation, physicochemical variation, residue mobility, and thermodynamic stability) performed at Invitae indicates that this missense variant is expected to disrupt RECQL4 protein function. In summary, the available evidence is currently insufficient to determine the role of this variant in disease. Therefore, it has been classified as a Variant of Uncertain Significance.